The following is an entry in ClinVar:

ClinVar aggregate classification (germline): Likely benign (1 of 4 stars; one submission).

Submission:

CeGaT Center for Human Genetics Tuebingen
Classification: Likely benign. Last evaluated: 2022-05-01. Review status: criteria provided, single submitter. Criteria: CeGaT Center For Human Genetics Tuebingen Variant Classification Criteria Version 2. Collection method: clinical testing. Allele origin: germline. Affected: yes. Observed: 1 variant allele.
Comment: GRIN2A: BP4

NM_001134407.3(GRIN2A):c.3322A>T (p.Thr1108Ser)

Gene: GRIN2A (glutamate ionotropic receptor NMDA type subunit 2A; minus strand). Cytogenetic location: 16p13.2.
Variant type: single nucleotide variant.
Coding change: c.3322A>T on transcript NM_001134407.3 (MANE Select); coding-DNA position 3322, A replaced by T.
Protein change: p.Thr1108Ser; replaces threonine 1108 with serine.
Molecular consequence: missense variant.
Genome position (GRCh38, 1-based): chr16:9,764,222, T>A on the plus strand (A>T on the coding strand, the complement: GRIN2A is on the minus strand). VCF-style: chr16-9764222-T-A. GRCh37 (hg19) VCF-style: chr16-9858079-T-A.
Other names: c.3322A>T, p.Thr1108Ser (NM_000833.5, NM_001134408.2); short protein forms T1108S.
Identifiers: ClinVar variation 2646196 (VCV002646196.24), dbSNP rs1900757660, ClinGen allele CA394708118.